The following is an entry in ClinVar:

ClinVar aggregate classification (germline): Uncertain significance (1 of 4 stars; one submission).

Conditions:
Methylmalonic aciduria, cblB type (MACB). Also called: METHYLMALONIC ACIDURIA, VITAMIN B12-RESPONSIVE, DUE TO DEFECT IN SYNTHESIS OF ADENOSYLCOBALAMIN, cblB TYPE; Vitamin B12-responsive methylmalonic acidemia type cblB; Methylmalonic acidemia cblB type. Identifiers: Orphanet 28, Orphanet 79311, MedGen C1855102, MONDO:0009614, OMIM 251110.

Allele frequency attached by ClinVar (database versions not stated): gnomAD exomes 0.00001 and 0.00004; TOPMed 0.00003; ExAC 0.00005.
gnomAD v4.1: 17 of 1,614,030 alleles (0.0011%); highest among the groups gnomAD compares: Admixed American, 0.013%; no homozygotes.

Submission:

Labcorp Genetics (formerly Invitae), Labcorp
Classification: Uncertain significance for Methylmalonic aciduria, cblB type. Last evaluated: 2023-11-27. Review status: criteria provided, single submitter. Criteria: Invitae Variant Classification Sherloc (09022015). Collection method: clinical testing. Allele origin: germline.
Comment: This sequence change replaces threonine, which is neutral and polar, with isoleucine, which is neutral and non-polar, at codon 109 of the MMAB protein (p.Thr109Ile). This variant is present in population databases (rs762404377, gnomAD 0.03%). This variant has not been reported in the literature in individuals affected with MMAB-related conditions. ClinVar contains an entry for this variant (Variation ID: 1422256). Advanced modeling of protein sequence and biophysical properties (such as structural, functional, and spatial information, amino acid conservation, physicochemical variation, residue mobility, and thermodynamic stability) performed at Invitae indicates that this missense variant is not expected to disrupt MMAB protein function with a negative predictive value of 80%. In summary, the available evidence is currently insufficient to determine the role of this variant in disease. Therefore, it has been classified as a Variant of Uncertain Significance.

NM_052845.4(MMAB):c.326C>T (p.Thr109Ile)

Gene: MMAB (metabolism of cobalamin associated B; minus strand). Cytogenetic location: 12q24.11.
Variant type: single nucleotide variant.
Coding change: c.326C>T on transcript NM_052845.4 (MANE Select); coding-DNA position 326, C replaced by T.
Protein change: p.Thr109Ile; replaces threonine 109 with isoleucine.
Molecular consequence: missense variant. On other transcripts: non-coding transcript variant (1).
Genome position (GRCh38, 1-based): chr12:109,565,141, G>A on the plus strand (C>T on the coding strand, the complement: MMAB is on the minus strand). VCF-style: chr12-109565141-G-A. GRCh37 (hg19) VCF-style: chr12-110002946-G-A.
Other names: short protein forms T109I.
Identifiers: ClinVar variation 1422256 (VCV001422256.6), dbSNP rs762404377, ClinGen allele CA6778960.
Genomic context (GRCh38, chr12:109,565,141, plus strand): 5'-CTGAAGATTCCCAGCTTGGGTGAGATGGTGTTACTCACTTTCTGAAGCTCTTCGGCAAAT[G>A]TATGGCCCTTTTCTGTGACTAATTCCAGAGCAAACCTATGAAGAAAAAGGAAAAAGAATT-3'
Protein context (NP_443077.1, residues 99-119): ALELVTEKGH[Thr109Ile]FAEELQKIQC